The following is an entry in ClinVar:

ClinVar aggregate classification (germline): Conflicting classifications of pathogenicity. Review status: criteria provided, conflicting classifications (1 of 4 stars). 2 submissions from 2 submitters: Uncertain significance (1); Likely benign (1). Last evaluated 2025-06-17.

Conditions:
Hereditary cancer-predisposing syndrome. Also called: Tumor predisposition; Hereditary Cancer Syndrome; Hereditary neoplastic syndrome; Neoplastic Syndromes, Hereditary. Identifiers: Orphanet 140162, MedGen C0027672, MeSH D009386, MONDO:0015356.
Neurofibromatosis, type 2 (SWNV). Also called: NF2-Related Schwannomatosis; BILATERAL ACOUSTIC NEUROFIBROMATOSIS; SCHWANNOMATOSIS, VESTIBULAR. Identifiers: Orphanet 637, MedGen C0027832, MONDO:0007039, OMIM 101000. Disease mechanism: loss of function.

gnomAD v4.1: 2 of 1,611,956 alleles (0.00012%); highest among the groups gnomAD compares: Non-Finnish European, 0.00017%; no homozygotes.

Submissions (2):

Medical Genetics Clinic, University of Catania
Classification: Likely benign for Neurofibromatosis, type 2. Last evaluated: 2025-06-17. Review status: criteria provided, single submitter. Criteria: ACMG Guidelines, 2015. Collection method: clinical testing. Allele origin: paternal. Inheritance: Autosomal dominant inheritance. Affected: no. Observed: 1 heterozygote.
Comment: The c.886A>G variant in the NF2 gene causes the substitution of an Isoleucine at position 296 with a Valine, both of which are nonpolar and hydrophobic aminoacids. Based on insufficient evidence, conflicting in silico predictions and unclear clinical impact, the c.886A>G (p.Ile296Val) variant in the NF2 gene has been classified as a Likely Benign Variant.

Ambry Genetics
Classification: Uncertain significance for Hereditary cancer-predisposing syndrome. Last evaluated: 2024-09-26. Review status: criteria provided, single submitter. Criteria: Ambry Variant Classification Scheme 2023. Collection method: clinical testing. Allele origin: germline.
Comment: The p.I296V variant (also known as c.886A>G) is located in coding exon 10 of the NF2 gene. The isoleucine at codon 296 is replaced by valine, an amino acid with highly similar properties. This change occurs in the first base pair of coding exon 10. This nucleotide position is highly conserved in available vertebrate species. This amino acid position is highly conserved in available vertebrate species. In addition, the in silico prediction for this alteration is inconclusive. Based on the available evidence, the clinical significance of this variant remains unclear.

NM_000268.4(NF2):c.886A>G (p.Ile296Val)

Gene: NF2 (NF2, moesin-ezrin-radixin like (MERLIN) tumor suppressor; plus strand). Cytogenetic location: 22q12.2.
Variant type: single nucleotide variant.
Coding change: c.886A>G on transcript NM_000268.4 (MANE Select); coding-DNA position 886, A replaced by G.
Protein change: p.Ile296Val; replaces isoleucine 296 with valine.
Molecular consequence: missense variant. On other transcripts: non-coding transcript variant (1), intron variant (1).
Genome position (GRCh38, 1-based): chr22:29,668,333, A>G. VCF-style: chr22-29668333-A-G. GRCh37 (hg19) VCF-style: chr22-30064322-A-G.
Other names: p.Ile296Val; c.772A>G, p.Ile258Val (NM_001407053.1, NM_001407056.1); c.763A>G, p.Ile255Val (NM_001407054.1, NM_001407058.1, NM_181829.3); c.760A>G, p.Ile254Val (NM_001407055.1, NM_181828.3); c.751A>G, p.Ile251Val (NM_001407057.1, NM_001407059.1); c.886A>G, p.Ile296Val (NM_001407060.1, NM_001407066.1, NM_016418.5 and 2 more transcripts); c.628A>G, p.Ile210Val (NM_001407062.1); c.637A>G, p.Ile213Val (NM_001407063.1, NM_001407064.1, NM_181830.3 and 1 more transcripts); and 3 more; short protein forms I213V, I254V, I255V, I219V, I258V, I118V, I210V, I251V.
Identifiers: ClinVar variation 3404961 (VCV003404961.1).